The following is an entry in ClinVar:

NM_000188.3(HK1):c.234A>G (p.Gly78=)

Gene: HK1 (hexokinase 1; plus strand). Cytogenetic location: 10q22.1.
Variant type: single nucleotide variant.
Coding change: c.234A>G on transcript NM_000188.3 (MANE Select); coding-DNA position 234, A replaced by G.
Protein change: p.Gly78=; no amino-acid change (glycine 78 retained).
Molecular consequence: synonymous variant. On other transcripts: 5 prime UTR variant (3), non-coding transcript variant (2), intron variant (1).
Genome position (GRCh38, 1-based): chr10:69,359,904, A>G. VCF-style: chr10-69359904-A-G. GRCh37 (hg19) VCF-style: chr10-71119660-A-G.
Other names: c.246A>G, p.Gly82= (NM_001322364.2, NM_001358263.1, NM_033497.3 and 1 more transcripts); c.339A>G, p.Gly113= (NM_001322365.2); c.150A>G, p.Gly50= (NM_001322366.1, NM_001441143.1); c.234A>G, p.Gly78= (NM_001322367.1, NM_001441139.1, NM_001441141.1 and 5 more transcripts); c.225A>G, p.Gly75= (NM_001441140.1); c.192A>G, p.Gly64= (NM_001441142.1); c.12A>G, p.Gly4= (NM_001441147.1); c.-171A>G (NM_001441151.1); and 5 more.
Identifiers: ClinVar variation 4281091 (VCV004281091.8).
Genomic context (GRCh38, chr10:69,359,904, plus strand): 5'-GGCTTCCCCTTAACATTTGAATCTCATGTGATACCTGTTGTCTCCCTAAACAGAAAAGGG[A>G]GATTTCATTGCCCTGGATCTTGGTGGGTCTTCCTTTCGAATTCTGCGGGTGCAAGTGAAT-3'
Protein context (NP_000179.2, residues 68-88): VRSIPDGSEK[Gly78=]DFIALDLGGS

ClinVar aggregate classification (germline): Likely benign. Review status: criteria provided, multiple submitters, no conflicts (2 of 4 stars). 2 submissions from 2 submitters: Likely benign (2). Last evaluated 2025-09-01.

gnomAD v4.1: 18 of 1,613,962 alleles (0.0011%); highest among the groups gnomAD compares: Non-Finnish European, 0.0014%; no homozygotes.

Submissions (2):

CeGaT Center for Human Genetics Tuebingen
Classification: Likely benign. Last evaluated: 2025-09-01. Review status: criteria provided, single submitter. Criteria: CeGaT Center For Human Genetics Tuebingen Variant Classification Criteria Version 2. Collection method: clinical testing. Allele origin: germline. Affected: yes. Observed: 1 variant allele.
Comment: HK1: BP4, BP7

Blueprint Genetics
Classification: Likely benign. Last evaluated: 2020-10-21. Review status: criteria provided, single submitter. Criteria: ACMG Guidelines, 2015. Collection method: clinical testing. Allele origin: germline.